The following is an entry in ClinVar:

NM_006494.4(ERF):c.1569del (p.Leu525fs)

Gene: ERF (ETS2 repressor factor; minus strand). Cytogenetic location: 19q13.2.
Variant type: Deletion.
Coding change: c.1569del on transcript NM_006494.4 (MANE Select); coding-DNA position 1569, one base deleted (G; older notation c.1569delG).
Protein change: p.Leu525fs; shifts the reading frame from leucine 525.
Molecular consequence: frameshift variant.
Genome position (GRCh38, 1-based): chr19:42,248,543, C deleted on the plus strand (G on the coding strand, the reverse complement: ERF is on the minus strand); the first of 6 consecutive C bases (chr19:42,248,543-42,248,548); deleting any one gives the same sequence. VCF-style (leftmost placement, unchanged base first): chr19-42248542-GC-G. GRCh37 (hg19) VCF-style: chr19-42752694-GC-G.
Other names: c.1344del, p.Leu450fs (NM_001301035.2, NM_001308402.2, NM_001312656.2); c.1569delG (NM_006494.2); c.1569del (NM_006494.2); short protein forms L450fs, L525fs.
Identifiers: ClinVar variation 451358 (VCV000451358.5), dbSNP rs1366176199, ClinGen allele CA633472346.
Genomic context (GRCh38, chr19:42,248,542, plus strand): 5'-CCAGGGAGAGCTGGGCCGTGGCATGCTGGAGGTCAGAGCTCACCCGCCTTGGGGTGAGGG[GC>G]CCCCCAGCCTCCCCAGGCCCCTCCCCACGCACCTTCTTGTCCTCACCCTCATCCTCAAAG-3'

ClinVar aggregate classification (germline): Uncertain significance. Review status: criteria provided, multiple submitters, no conflicts (2 of 4 stars). 2 submissions from 2 submitters: Uncertain significance (2). Last evaluated 2026-01-10.

Submissions (2):

GeneDx
Classification: Uncertain significance. Last evaluated: 2026-01-10. Review status: criteria provided, single submitter. Criteria: GeneDx Variant Classification Process June 2021. Collection method: clinical testing. Allele origin: germline. Affected: yes.
Comment: Frameshift variant predicted to result in abnormal protein length as the last 24 amino acid(s) are replaced with 5 different amino acid(s), and other similar variants have been reported in HGMD; Has not been previously published as pathogenic or benign to our knowledge

Blueprint Genetics
Classification: Uncertain significance. Last evaluated: 2023-09-28. Review status: criteria provided, single submitter. Criteria: ACMG Guidelines, 2015. Collection method: clinical testing. Allele origin: germline.